The following is an entry in ClinVar:

ClinVar aggregate classification (germline): Likely pathogenic (1 of 4 stars; one submission).

Submission:

Labcorp Genetics (formerly Invitae), Labcorp
Classification: Likely pathogenic. Last evaluated: 2023-04-07. Review status: criteria provided, single submitter. Criteria: Invitae Variant Classification Sherloc (09022015). Collection method: clinical testing. Allele origin: germline.
Comment: This sequence change replaces valine, which is neutral and non-polar, with methionine, which is neutral and non-polar, at codon 223 of the ATP2A2 protein (p.Val223Met). This variant is not present in population databases (gnomAD no frequency). This missense change has been observed in individuals with Darier disease (PMID: 10441324, 30450560; Invitae). Advanced modeling of protein sequence and biophysical properties (such as structural, functional, and spatial information, amino acid conservation, physicochemical variation, residue mobility, and thermodynamic stability) performed at Invitae indicates that this missense variant is expected to disrupt ATP2A2 protein function. Experimental studies have shown that this missense change affects ATP2A2 function (PMID: 16766529). In summary, the currently available evidence indicates that the variant is pathogenic, but additional data are needed to prove that conclusively. Therefore, this variant has been classified as Likely Pathogenic.

Literature cited by the submitters: PubMed 10441324; PubMed 30450560; PubMed 16766529.

NM_170665.4(ATP2A2):c.667G>A (p.Val223Met)

Gene: ATP2A2 (ATPase sarcoplasmic/endoplasmic reticulum Ca2+ transporting 2; plus strand). Cytogenetic location: 12q24.11.
Variant type: single nucleotide variant.
Coding change: c.667G>A on transcript NM_170665.4 (MANE Select); coding-DNA position 667, G replaced by A.
Protein change: p.Val223Met; replaces valine 223 with methionine.
Molecular consequence: missense variant.
Genome position (GRCh38, 1-based): chr12:110,327,589, G>A. VCF-style: chr12-110327589-G-A. GRCh37 (hg19) VCF-style: chr12-110765394-G-A.
Other names: c.562G>A, p.Val188Met (NM_001413013.1); c.667G>A, p.Val223Met (NM_001413014.1, NM_001681.4); c.292G>A, p.Val98Met (NM_001413015.1); short protein forms V223M, V98M, V188M.
Identifiers: ClinVar variation 2735973 (VCV002735973.3), dbSNP rs1555282129, ClinGen allele CA386666859.
Genomic context (GRCh38, chr12:110,327,589, plus strand): 5'-ACCAGTTCTCTACTTCTGTCCTAGGGTACAAACATTGCTGCTGGGAAAGCTATGGGAGTG[G>A]TGGTAGCAACTGGAGTTAACACCGAAATTGGCAAGATCCGGGATGAAATGGTGGCAACAG-3'
Protein context (NP_733765.1, residues 213-233): NIAAGKAMGV[Val223Met]VATGVNTEIG